The following is an entry in ClinVar:

NM_022773.4(LMF1):c.1318G>A (p.Glu440Lys)

Gene: LMF1 (lipase maturation factor 1; minus strand). Cytogenetic location: 16p13.3.
Variant type: single nucleotide variant.
Coding change: c.1318G>A on transcript NM_022773.4 (MANE Select); coding-DNA position 1318, G replaced by A.
Protein change: p.Glu440Lys; replaces glutamic acid 440 with lysine.
Molecular consequence: missense variant. On other transcripts: non-coding transcript variant (1).
Genome position (GRCh38, 1-based): chr16:869,981, C>T on the plus strand (G>A on the coding strand, the complement: LMF1 is on the minus strand). VCF-style: chr16-869981-C-T. GRCh37 (hg19) VCF-style: chr16-919981-C-T.
Other names: c.667G>A, p.Glu223Lys (NM_001352017.2, NM_001352021.2); c.919G>A, p.Glu307Lys (NM_001352018.2); c.991G>A, p.Glu331Lys (NM_001352019.2); c.1318G>A, p.Glu440Lys (NM_001352020.1); short protein forms E223K, E307K, E440K, E331K.
Identifiers: ClinVar variation 1769832 (VCV001769832.4), dbSNP rs778629426, ClinGen allele CA7797068.

ClinVar aggregate classification (germline): Uncertain significance. Review status: criteria provided, multiple submitters, no conflicts (2 of 4 stars). 2 submissions from 2 submitters: Uncertain significance (2). Last evaluated 2025-09-05.

Conditions:
Cardiovascular phenotype. Identifiers: MedGen CN230736.
Lipase deficiency, combined. Also called: LIPOPROTEIN LIPASE DEFICIENCY WITH HEPATIC TRIGLYCERIDE LIPASE DEFICIENCY; LPL AND HL DEFICIENCY; LPL AND HTGL DEFICIENCY. Identifiers: Orphanet 535453, MedGen C1855498, MONDO:0009527, OMIM 246650.

Allele frequency attached by ClinVar (database versions not stated): gnomAD 0.00002; ExAC 0.00003; TOPMed 0.00005.

Submissions (2):

Ambry Genetics
Classification: Uncertain significance for Cardiovascular phenotype. Last evaluated: 2025-09-05. Review status: criteria provided, single submitter. Criteria: Ambry Variant Classification Scheme 2023. Collection method: clinical testing. Allele origin: germline.
Comment: The p.E440K variant (also known as c.1318G>A), located in coding exon 9 of the LMF1 gene, results from a G to A substitution at nucleotide position 1318. The glutamic acid at codon 440 is replaced by lysine, an amino acid with similar properties. This amino acid position is not well conserved in available vertebrate species. In addition, this alteration is predicted to be tolerated by in silico analysis. Based on the available evidence, the clinical significance of this variant remains unclear.

Genomic Medicine Center of Excellence, King Faisal Specialist Hospital and Research Centre
Classification: Uncertain significance for Lipase deficiency, combined. Last evaluated: 2024-09-22. Review status: criteria provided, single submitter. Criteria: ACMG Guidelines, 2015. Collection method: clinical testing. Allele origin: germline.